The following is an entry in ClinVar:

NM_024408.4(NOTCH2):c.7038C>G (p.Ala2346=)

Gene: NOTCH2 (notch receptor 2; minus strand). Cytogenetic location: 1p12.
Variant type: single nucleotide variant.
Coding change: c.7038C>G on transcript NM_024408.4 (MANE Select); coding-DNA position 7038, C replaced by G.
Protein change: p.Ala2346=; no amino-acid change (alanine 2346 retained).
Molecular consequence: synonymous variant.
Genome position (GRCh38, 1-based): chr1:119,915,684, G>C on the plus strand (C>G on the coding strand, the complement: NOTCH2 is on the minus strand). VCF-style: chr1-119915684-G-C. GRCh37 (hg19) VCF-style: chr1-120458307-G-C.
Other names: c.7038C>G (NM_024408.3).
Identifiers: ClinVar variation 1561094 (VCV001561094.10), dbSNP rs148846611, ClinGen allele CA1039332.

ClinVar aggregate classification (germline): Likely benign. Review status: criteria provided, single submitter (1 of 4 stars). 2 submissions from 2 submitters: Likely benign (1). 1 of the submissions does not count toward it. Last evaluated 2025-06-15.

Conditions:
NOTCH2-related disorder. Also called: NOTCH2-related condition.
Hajdu-Cheney syndrome (HJCYS). Also called: SERPENTINE FIBULA-POLYCYSTIC KIDNEY SYNDROME; Acroosteolysis dominant type; ACROOSTEOLYSIS WITH OSTEOPOROSIS AND CHANGES IN SKULL AND MANDIBLE. Identifiers: Orphanet 955, MedGen C0917715, MONDO:0007057, OMIM 102500.

Allele frequency attached by ClinVar (database versions not stated): ExAC 0.00002; gnomAD exomes 0.00002; ESP Exome Variant Server 0.00008; gnomAD 0.00008 and 0.00009; TOPMed 0.00012.

Submissions (2):

Labcorp Genetics (formerly Invitae), Labcorp
Classification: Likely benign for Hajdu-Cheney syndrome. Last evaluated: 2025-06-15. Review status: criteria provided, single submitter. Criteria: Invitae Variant Classification Sherloc (09022015). Collection method: clinical testing. Allele origin: germline.

PreventionGenetics, part of Exact Sciences
Classification: Likely benign for NOTCH2-related condition. Last evaluated: 2022-08-16. Review status: no assertion criteria provided. Collection method: clinical testing. Allele origin: germline. Not counted in ClinVar's aggregate classification.
Comment: This variant is classified as likely benign based on ACMG/AMP sequence variant interpretation guidelines (Richards et al. 2015 PMID: 25741868, with internal and published modifications).